The following is an entry in ClinVar:

ClinVar aggregate classification (germline): Uncertain significance. Review status: criteria provided, multiple submitters, no conflicts (2 of 4 stars). 2 submissions from 2 submitters: Uncertain significance (2). Last evaluated 2023-08-27.

Conditions:
Hereditary cancer-predisposing syndrome. Also called: Hereditary Cancer Syndrome; Hereditary neoplastic syndrome; Neoplastic Syndromes, Hereditary; Tumor predisposition. Identifiers: Orphanet 140162, MedGen C0027672, MeSH D009386, MONDO:0015356.
Gastrointestinal stromal tumor. Also called: Gastrointestinal stromal tumor, somatic; Gastrointestinal stroma tumor. Identifiers: Orphanet 44890, MedGen C0238198, MeSH D046152, MONDO:0011719, OMIM 606764, HP:0100723.

Submissions (2):

Labcorp Genetics (formerly Invitae), Labcorp
Classification: Uncertain significance for Gastrointestinal stromal tumor. Last evaluated: 2023-08-27. Review status: criteria provided, single submitter. Criteria: Invitae Variant Classification Sherloc (09022015). Collection method: clinical testing. Allele origin: germline.
Comment: In summary, the available evidence is currently insufficient to determine the role of this variant in disease. Therefore, it has been classified as a Variant of Uncertain Significance. An algorithm developed to predict the effect of missense changes on protein structure and function (PolyPhen-2) suggests that this variant is likely to be tolerated. This variant has not been reported in the literature in individuals affected with KIT-related conditions. This variant is not present in population databases (gnomAD no frequency). This sequence change replaces glutamine, which is neutral and polar, with lysine, which is basic and polar, at codon 272 of the KIT protein (p.Gln272Lys).

Ambry Genetics
Classification: Uncertain significance for Hereditary cancer-predisposing syndrome. Last evaluated: 2023-08-26. Review status: criteria provided, single submitter. Criteria: Ambry Variant Classification Scheme 2023. Collection method: clinical testing. Allele origin: germline.
Comment: The p.Q272K variant (also known as c.814C>A), located in coding exon 5 of the KIT gene, results from a C to A substitution at nucleotide position 814. The glutamine at codon 272 is replaced by lysine, an amino acid with similar properties. This amino acid position is conserved. In addition, this alteration is predicted to be tolerated by in silico analysis. Since supporting evidence is limited at this time, the clinical significance of this alteration remains unclear.

NM_000222.3(KIT):c.814C>A (p.Gln272Lys)

Gene: KIT (KIT proto-oncogene, receptor tyrosine kinase; plus strand). Cytogenetic location: 4q12.
Variant type: single nucleotide variant.
Coding change: c.814C>A on transcript NM_000222.3 (MANE Select); coding-DNA position 814, C replaced by A.
Protein change: p.Gln272Lys; replaces glutamine 272 with lysine.
Molecular consequence: missense variant.
Genome position (GRCh38, 1-based): chr4:54,703,781, C>A. VCF-style: chr4-54703781-C-A. GRCh37 (hg19) VCF-style: chr4-55569947-C-A.
Other names: c.814C>A, p.Gln272Lys (NM_001093772.2, NM_001385285.1, NM_001385286.1); c.817C>A, p.Gln273Lys (NM_001385284.1, NM_001385288.1, NM_001385290.1 and 1 more transcripts); short protein forms Q272K, Q273K.
Identifiers: ClinVar variation 2587870 (VCV002587870.5), dbSNP rs2109693205, ClinGen allele CA356899615.